The following is an entry in ClinVar:

ClinVar aggregate classification (germline): Likely pathogenic (1 of 4 stars; one submission).

Conditions:
Developmental and epileptic encephalopathy, 23 (DEE23). Also called: Epileptic encephalopathy, early infantile, 23. Identifiers: Orphanet 411986, MedGen C4014492, MONDO:0014371, OMIM 615859.

Allele frequency attached by ClinVar (database versions not stated): gnomAD exomes 0.00001; TOPMed below 0.00001; ExAC 0.00001; gnomAD 0.00001.
gnomAD v4.1: 8 of 1,590,422 alleles (0.0005%); highest among the groups gnomAD compares: Non-Finnish European, 0.000086%; no homozygotes.

Submission:

Labcorp Genetics (formerly Invitae), Labcorp
Classification: Likely pathogenic for Epileptic encephalopathy, early infantile, 23. Last evaluated: 2018-08-28. Review status: criteria provided, single submitter. Criteria: Invitae Variant Classification Sherloc (09022015). Collection method: clinical testing. Allele origin: germline.
Comment: This sequence change affects an acceptor splice site in intron 7 of the DOCK7 gene. It is expected to disrupt RNA splicing and likely results in an absent or disrupted protein product. This variant is present in population databases (rs763358033, ExAC 0.002%). This variant has not been reported in the literature in individuals with DOCK7-related disease. Algorithms developed to predict the effect of sequence changes on RNA splicing suggest that this variant may disrupt the consensus splice site, but this prediction has not been confirmed by published transcriptional studies. Donor and acceptor splice site variants typically lead to a loss of protein function (PMID: 16199547), and loss-of-function variants in DOCK7 are known to be pathogenic (PMID: 24814191). In summary, the currently available evidence indicates that the variant is pathogenic, but additional data are needed to prove that conclusively. Therefore, this variant has been classified as Likely Pathogenic.

Literature cited by the submitters: PubMed 24814191.

NM_001367561.1(DOCK7):c.819-1G>A

Gene: DOCK7 (dedicator of cytokinesis 7; minus strand). Cytogenetic location: 1p31.3.
Variant type: single nucleotide variant.
Coding change: c.819-1G>A on transcript NM_001367561.1 (MANE Select); the canonical splice acceptor site of the intron before coding-DNA position 819, G replaced by A.
Molecular consequence: splice acceptor variant.
Genome position (GRCh38, 1-based): chr1:62,636,604, C>T on the plus strand (G>A on the coding strand, the complement: DOCK7 is on the minus strand). VCF-style: chr1-62636604-C-T. GRCh37 (hg19) VCF-style: chr1-63102275-C-T.
Other names: c.819-1G>A (NM_001272001.2, NM_001272000.2, NM_033407.4 and 3 more transcripts).
Identifiers: ClinVar variation 642295 (VCV000642295.1), dbSNP rs763358033, ClinGen allele CA887099.
Genomic context (GRCh38, chr1:62,636,604, plus strand): 5'-TTTTCCTTGACATCATATAAAGCCAAACTTGCAAAAATGGGTTCAATTTCAATTTCAAAC[C>T]TTTATGAAGAAAAAGGATAAAATAATTTAAAGATAAACATGAAATACACAGTTGGAGAGA-3'